The following is an entry in ClinVar:

ClinVar aggregate classification (germline): Uncertain significance (1 of 4 stars; one submission).

gnomAD v4.1: 2 of 1,551,750 alleles (0.00013%); highest among the groups gnomAD compares: Admixed American, 0.0039%; no homozygotes.

Submission:

Labcorp Genetics (formerly Invitae), Labcorp
Classification: Uncertain significance. Last evaluated: 2025-05-10. Review status: criteria provided, single submitter. Criteria: Invitae Variant Classification Sherloc (09022015). Collection method: clinical testing. Allele origin: germline.
Comment: This sequence change replaces alanine, which is neutral and non-polar, with glycine, which is neutral and non-polar, at codon 104 of the KLF1 protein (p.Ala104Gly). This variant is present in population databases (rs182276666, gnomAD 0.008%). This variant has not been reported in the literature in individuals affected with KLF1-related conditions. Invitae Evidence Modeling of protein sequence and biophysical properties (such as structural, functional, and spatial information, amino acid conservation, physicochemical variation, residue mobility, and thermodynamic stability) indicates that this missense variant is not expected to disrupt KLF1 protein function with a negative predictive value of 80%. In summary, the available evidence is currently insufficient to determine the role of this variant in disease. Therefore, it has been classified as a Variant of Uncertain Significance.

NM_006563.5(KLF1):c.311C>G (p.Ala104Gly)

Gene: KLF1 (KLF transcription factor 1; minus strand). Cytogenetic location: 19p13.13.
Variant type: single nucleotide variant.
Coding change: c.311C>G on transcript NM_006563.5 (MANE Select); coding-DNA position 311, C replaced by G.
Protein change: p.Ala104Gly; replaces alanine 104 with glycine.
Molecular consequence: missense variant.
Genome position (GRCh38, 1-based): chr19:12,885,919, G>C on the plus strand (C>G on the coding strand, the complement: KLF1 is on the minus strand). VCF-style: chr19-12885919-G-C. GRCh37 (hg19) VCF-style: chr19-12996733-G-C.
Other names: short protein forms A104G.
Identifiers: ClinVar variation 4704800 (VCV004704800.1).